The following is an entry in ClinVar:

ClinVar aggregate classification (germline): Pathogenic. Review status: criteria provided, multiple submitters, no conflicts (2 of 4 stars). 2 submissions from 2 submitters: Pathogenic (2). Last evaluated 2025-02-27.

Conditions:
Refsum disease, classic. Also called: PHYH-Related Refsum Disease; HEREDOPATHIA ATACTICA POLYNEURITIFORMIS; HMSN IV; PHYTANIC ACID OXIDASE DEFICIENCY. Identifiers: Orphanet 773, MedGen C5780941, MONDO:1060256, OMIM 266500. Disease mechanism: loss of function.

Submissions (2):

Myriad Genetics, Inc.
Classification: Pathogenic for Refsum disease, classic. Last evaluated: 2025-02-27. Review status: criteria provided, single submitter. Criteria: Myriad Autosomal Dominant, Autosomal Recessive and X-Linked Classification Criteria (2023). Collection method: clinical testing. Allele origin: unknown.
Comment: NM_006214.3(PHYH):c.520delC(L174Cfs*44) is expected to be pathogenic in the context of Refsum disease, PHYH-related. This variant is predicted to lead to an abnormal or absent protein product due to the creation of a premature termination codon in PHYH, a gene where loss-of-function variants are known to be pathogenic. Please note: this variant was assessed in the context of healthy population screening.

Labcorp Genetics (formerly Invitae), Labcorp
Classification: Pathogenic. Last evaluated: 2023-10-30. Review status: criteria provided, single submitter. Criteria: Invitae Variant Classification Sherloc (09022015). Collection method: clinical testing. Allele origin: germline.
Comment: This sequence change creates a premature translational stop signal (p.Leu174Cysfs*44) in the PHYH gene. It is expected to result in an absent or disrupted protein product. Loss-of-function variants in PHYH are known to be pathogenic (PMID: 9326940, 14974078). This variant is not present in population databases (gnomAD no frequency). This variant has not been reported in the literature in individuals affected with PHYH-related conditions. For these reasons, this variant has been classified as Pathogenic.

Literature cited by the submitters: PubMed 9326940 (cited by Labcorp Genetics (formerly Invitae), Labcorp); PubMed 14974078 (cited by Labcorp Genetics (formerly Invitae), Labcorp).

NM_006214.4(PHYH):c.520del (p.Leu174fs)

Gene: PHYH (phytanoyl-CoA 2-hydroxylase; minus strand). Cytogenetic location: 10p13.
Variant type: Deletion.
Coding change: c.520del on transcript NM_006214.4 (MANE Select); coding-DNA position 520, one base deleted (C; older notation c.520delC).
Protein change: p.Leu174fs; shifts the reading frame from leucine 174.
Molecular consequence: frameshift variant. On other transcripts: intron variant (1).
Genome position (GRCh38, 1-based): chr10:13,288,518, G deleted on the plus strand (C on the coding strand, the reverse complement: PHYH is on the minus strand); the first of 5 consecutive G bases (chr10:13,288,518-13,288,522); deleting any one gives the same sequence. VCF-style (leftmost placement, unchanged base first): chr10-13288517-AG-A. GRCh37 (hg19) VCF-style: chr10-13330517-AG-A.
Other names: c.220del, p.Leu74fs (NM_001037537.2, NM_001323080.2); c.526del, p.Leu176fs (NM_001323082.2); c.226del, p.Leu76fs (NM_001323084.2); c.415-4679del (NM_001323083.2); short protein forms L74fs, L76fs, L174fs, L176fs.
Identifiers: ClinVar variation 2800295 (VCV002800295.4), dbSNP rs2538643559, ClinGen allele CA2608293268.